The following is an entry in ClinVar:

ClinVar aggregate classification (germline): Conflicting classifications of pathogenicity. Review status: criteria provided, conflicting classifications (1 of 4 stars). 8 submissions from 8 submitters: Uncertain significance (4); Benign (1); Likely benign (3). Last evaluated 2026-06-05.

Conditions:
TSC2-related disorder. Also called: TSC2-Related Disorders; TSC2-related condition.
Hereditary cancer-predisposing syndrome. Also called: Tumor predisposition; Hereditary neoplastic syndrome; Neoplastic Syndromes, Hereditary; Hereditary Cancer Syndrome. Identifiers: Orphanet 140162, MedGen C0027672, MeSH D009386, MONDO:0015356.
Tuberous sclerosis syndrome (TSC). Also called: Tuberous Sclerosis Complex; Tuberous sclerosis. Identifiers: Orphanet 805, MedGen C0041341, MONDO:0001734.
Tuberous sclerosis 2 (TSC2). Identifiers: Orphanet 805, MedGen C1860707, MONDO:0013199, OMIM 613254.

Allele frequency attached by ClinVar (database versions not stated): gnomAD exomes 0.00002 and below 0.00001.
gnomAD v4.1: 33 of 1,609,522 alleles (0.0021%); highest among the groups gnomAD compares: Non-Finnish European, 0.0023%; no homozygotes.

Submissions (8):

Ambry Genetics
Classification: Likely benign for Hereditary cancer-predisposing syndrome. Last evaluated: 2026-06-05. Review status: criteria provided, single submitter. Criteria: Ambry Variant Classification Scheme 2023. Collection method: clinical testing. Allele origin: germline.

Labcorp Genetics (formerly Invitae), Labcorp
Classification: Benign for Tuberous sclerosis 2. Last evaluated: 2025-10-30. Review status: criteria provided, single submitter. Criteria: Invitae Variant Classification Sherloc (09022015). Collection method: clinical testing. Allele origin: germline.

Color Diagnostics, LLC DBA Color Health
Classification: Uncertain significance for Tuberous sclerosis syndrome. Last evaluated: 2024-05-23. Review status: criteria provided, single submitter. Criteria: ACMG Guidelines, 2015. Collection method: clinical testing. Allele origin: germline.
Comment: This missense variant replaces valine with leucine at codon 1120 of the TSC2 protein. Computational prediction suggests that this variant may not impact protein structure and function. To our knowledge, functional studies have not been reported for this variant. This variant has not been reported in individuals affected with tuberous sclerosis complex in the literature. This variant has been identified in 1/239548 chromosomes in the general population by the Genome Aggregation Database (gnomAD). The available evidence is insufficient to determine the role of this variant in disease conclusively. Therefore, this variant is classified as a Variant of Uncertain Significance.

Clinical Genomics Laboratory, Washington University in St. Louis
Classification: Uncertain significance for Tuberous sclerosis 2. Last evaluated: 2023-08-11. Review status: criteria provided, single submitter. Criteria: ACMG Guidelines, 2015. Collection method: clinical testing. Allele origin: germline.
Comment: The TSC2 c.3358G>C (p.Val1120Leu) variant was identified at a near heterozygous allelic fraction. This variant has been reported in the ClinVar database as benign/likely benign/variant of uncertain significance by five submitters (ClinVar Variation ID: 468005). The TSC2 c.3358G>C (p.Val1120Leu) variant is rarely observed (1/152240 alleles) in the general population (gnomAD v.2.1.1), indicating it is not a common variant. Computational predictors are conflicting as to the impact of this variant on the TSC2 function. Due to limited information and based on ACMG/AMP guidelines for variant interpretation (Richards S et al., PMID: 25741868), the clinical significance of this variant is uncertain at this time.

PreventionGenetics, part of Exact Sciences
Classification: Uncertain significance for TSC2-related condition. Last evaluated: 2022-10-20. Review status: criteria provided, single submitter. Criteria: ACMG Guidelines, 2015. Collection method: clinical testing. Allele origin: germline.
Comment: The TSC2 c.3358G>C variant is predicted to result in the amino acid substitution p.Val1120Leu. To our knowledge, this variant has not been reported in the literature. This variant is reported in 1 out of ~239,548 alleles in gnomAD and has conflicting interpretations ranging from benign to uncertain significance. At this time, the clinical significance of this variant is uncertain due to the absence of conclusive functional and genetic evidence.

Genome-Nilou Lab
Classification: Likely benign for Tuberous sclerosis 2. Last evaluated: 2021-11-07. Review status: criteria provided, single submitter. Criteria: ACMG Guidelines, 2015. Collection method: clinical testing. Allele origin: germline. Affected: no.

Institute for Clinical Genetics, University Hospital TU Dresden, University Hospital TU Dresden
Classification: Uncertain significance. Last evaluated: 2021-11-03. Review status: criteria provided, single submitter. Criteria: ACMG Guidelines, 2015. Collection method: clinical testing. Allele origin: germline.

GeneDx
Classification: Likely benign. Last evaluated: 2019-09-13. Review status: criteria provided, single submitter. Criteria: GeneDx Variant Classification Process June 2021. Collection method: clinical testing. Allele origin: germline. Affected: yes.
Comment: In silico analysis, which includes protein predictors and evolutionary conservation, supports that this variant does not alter protein structure/function Has not been previously published as pathogenic or benign to our knowledge

NM_000548.5(TSC2):c.3358G>C (p.Val1120Leu)

Gene: TSC2 (TSC complex subunit 2; plus strand). Cytogenetic location: 16p13.3.
Variant type: single nucleotide variant.
Coding change: c.3358G>C on transcript NM_000548.5 (MANE Select); coding-DNA position 3358, G replaced by C.
Protein change: p.Val1120Leu; replaces valine 1120 with leucine.
Molecular consequence: missense variant.
Genome position (GRCh38, 1-based): chr16:2,079,630, G>C. VCF-style: chr16-2079630-G-C. GRCh37 (hg19) VCF-style: chr16-2129631-G-C.
Other names: c.3358G>C (NM_000548.4); c.3226G>C, p.Val1076Leu (NM_001077183.3, NM_001370404.1); c.3358G>C, p.Val1120Leu (NM_001114382.3); c.3118G>C, p.Val1040Leu (NM_001318827.2); c.3082G>C, p.Val1028Leu (NM_001318829.2); c.2626G>C, p.Val876Leu (NM_001318831.2); c.3259G>C, p.Val1087Leu (NM_001318832.2); c.3229G>C, p.Val1077Leu (NM_001363528.2, NM_001370405.1, NM_021055.3); short protein forms V1120L, V1077L, V1087L, V876L, V1028L, V1076L, V1040L.
Identifiers: ClinVar variation 468005 (VCV000468005.28), dbSNP rs1053311636, ClinGen allele CA394286664.
Genomic context (GRCh38, chr16:2,079,630, plus strand): 5'-GTGCATGTGAGACAGACCAAGGAGGCGCCGGCCAAGCTGGAGTCCCAGGCTGGGCAGCAG[G>C]TGTCCCGTGGGGCCCGGGATCGGGTCCGTTCCATGTCGGGTGAGCCTTGGCCCCAGCCAC-3'
Protein context (NP_000539.2, residues 1110-1130): AKLESQAGQQ[Val1120Leu]SRGARDRVRS